The following is an entry in ClinVar:

ClinVar aggregate classification (germline): Likely benign. Review status: criteria provided, multiple submitters, no conflicts (2 of 4 stars). 3 submissions from 3 submitters: Likely benign (3). Last evaluated 2026-08-26.

Conditions:
COA7-related disorder. Also called: COA7-related condition.

Allele frequency attached by ClinVar (database versions not stated): gnomAD exomes 0.00003 and 0.00006; ExAC 0.00006; ESP Exome Variant Server 0.00023; TOPMed 0.00036; gnomAD 0.00037 and 0.00041.
gnomAD v4.1: 107 of 1,614,008 alleles (0.0066%); highest among the groups gnomAD compares: African/African-American, 0.11%; 1 homozygote.

Submissions (3):

PreventionGenetics, part of Exact Sciences
Classification: Likely benign for COA7-related condition. Last evaluated: 2026-08-26. Review status: criteria provided, single submitter. Criteria: ACMG Guidelines, 2015. Collection method: clinical testing. Allele origin: germline.
Comment: This variant is classified as likely benign based on ACMG/AMP sequence variant interpretation guidelines (Richards et al. 2015 PMID: 25741868, with internal and published modifications).

Labcorp Genetics (formerly Invitae), Labcorp
Classification: Likely benign. Last evaluated: 2026-01-15. Review status: criteria provided, single submitter. Criteria: Invitae Variant Classification Sherloc (09022015). Collection method: clinical testing. Allele origin: germline.

Women's Health and Genetics/Laboratory Corporation of America, LabCorp
Classification: Likely benign. Last evaluated: 2025-05-06. Review status: criteria provided, single submitter. Criteria: LabCorp Variant Classification Summary - May 2015. Collection method: clinical testing. Allele origin: germline.

NM_023077.3(COA7):c.330A>G (p.Ala110=)

Genes: COA7 (cytochrome c oxidase assembly factor 7; minus strand), LOC129388524 (MPRA-validated peak230 silencer; plus strand). Cytogenetic location: 1p32.3.
Variant type: single nucleotide variant.
Coding change: c.330A>G on transcript NM_023077.3 (MANE Select); coding-DNA position 330, A replaced by G.
Protein change: p.Ala110=; no amino-acid change (alanine 110 retained).
Molecular consequence: synonymous variant.
Genome position (GRCh38, 1-based): chr1:52,688,086, T>C on the plus strand (A>G on the coding strand, the complement: COA7 is on the minus strand). VCF-style: chr1-52688086-T-C. GRCh37 (hg19) VCF-style: chr1-53153758-T-C.
Identifiers: ClinVar variation 739450 (VCV000739450.11), dbSNP rs143275374, ClinGen allele CA855659.